The following is an entry in ClinVar:

NM_020461.4(TUBGCP6):c.5389C>T (p.Arg1797Cys)

Gene: TUBGCP6 (tubulin gamma complex component 6; minus strand). Cytogenetic location: 22q13.33.
Variant type: single nucleotide variant.
Coding change: c.5389C>T on transcript NM_020461.4 (MANE Select); coding-DNA position 5389, C replaced by T.
Protein change: p.Arg1797Cys; replaces arginine 1797 with cysteine.
Molecular consequence: missense variant.
Genome position (GRCh38, 1-based): chr22:50,217,807, G>A on the plus strand (C>T on the coding strand, the complement: TUBGCP6 is on the minus strand). VCF-style: chr22-50217807-G-A. GRCh37 (hg19) VCF-style: chr22-50656236-G-A.
Other names: short protein forms R1797C.
Identifiers: ClinVar variation 373311 (VCV000373311.10), dbSNP rs138609686, ClinGen allele CA10307018.

ClinVar aggregate classification (germline): Uncertain significance. Review status: criteria provided, multiple submitters, no conflicts (2 of 4 stars). 3 submissions from 3 submitters: Uncertain significance (3). Last evaluated 2022-08-07.

Conditions:
Microcephaly and chorioretinopathy 1. Also called: Microcephaly and chorioretinopathy, autosomal recessive, 1. Identifiers: MedGen C3278481, MONDO:0009624, OMIM 251270.

Allele frequency attached by ClinVar (database versions not stated): 1000 Genomes Project 0.00040; gnomAD 0.00004 and 0.00005; TOPMed 0.00006; gnomAD exomes 0.00010; ExAC 0.00015; ESP Exome Variant Server 0.00015; 1000 Genomes Project 30x 0.00031.
gnomAD v4.1: 169 of 1,613,958 alleles (0.01%); highest among the groups gnomAD compares: Middle Eastern, 0.18%; no homozygotes.

Submissions (3):

Labcorp Genetics (formerly Invitae), Labcorp
Classification: Uncertain significance. Last evaluated: 2022-08-07. Review status: criteria provided, single submitter. Criteria: Invitae Variant Classification Sherloc (09022015). Collection method: clinical testing. Allele origin: germline.
Comment: This sequence change replaces arginine, which is basic and polar, with cysteine, which is neutral and slightly polar, at codon 1797 of the TUBGCP6 protein (p.Arg1797Cys). This variant is present in population databases (rs138609686, gnomAD 0.02%). This variant has not been reported in the literature in individuals affected with TUBGCP6-related conditions. ClinVar contains an entry for this variant (Variation ID: 373311). Algorithms developed to predict the effect of missense changes on protein structure and function are either unavailable or do not agree on the potential impact of this missense change (SIFT: "Deleterious"; PolyPhen-2: "Probably Damaging"; Align-GVGD: "Class C0"). In summary, the available evidence is currently insufficient to determine the role of this variant in disease. Therefore, it has been classified as a Variant of Uncertain Significance.

Baylor Genetics
Classification: Uncertain significance for Microcephaly and chorioretinopathy 1. Last evaluated: 2019-08-08. Review status: criteria provided, single submitter. Criteria: ACMG Guidelines, 2015. Collection method: clinical testing. Allele origin: unknown. Affected: yes.
Comment: This variant was determined to be of uncertain significance according to ACMG Guidelines, 2015 [PMID:25741868].

GeneDx
Classification: Uncertain significance. Last evaluated: 2016-11-11. Review status: criteria provided, single submitter. Criteria: GeneDx Variant Classification (06012015). Collection method: clinical testing. Allele origin: germline. Affected: yes.
Comment: The R1797C variant in the TUBGCP6 gene has not been reported previously as a pathogenic variant, nor as a benign variant, to our knowledge. The R1797C variant was not observed at any significant frequency in approximately 6,500 individuals of European and African American ancestry in the NHLBI Exome Sequencing Project, indicating it is not a common benign variant in these populations. The R1797C variant is a non-conservative amino acid substitution, which is likely to impact secondary protein structure as these residues differ in polarity, charge, size and/or other properties. This substitution occurs at a position that is conserved across species. In silico analysis predicts this variant is probably damaging to the protein structure/function. We interpret R1797C as a variant of uncertain significance.